The following is an entry in ClinVar:

ClinVar aggregate classification (germline): Uncertain significance (1 of 4 stars; one submission).

Submission:

GeneDx
Classification: Uncertain significance. Last evaluated: 2024-10-23. Review status: criteria provided, single submitter. Criteria: GeneDx Variant Classification Process June 2021. Collection method: clinical testing. Allele origin: germline. Affected: yes.
Comment: Not observed at significant frequency in large population cohorts (gnomAD); In silico analysis indicates that this missense variant does not alter protein structure/function; Has not been previously published as pathogenic or benign to our knowledge

NM_001128840.3(CACNA1D):c.6368C>T (p.Ser2123Leu)

Gene: CACNA1D (calcium voltage-gated channel subunit alpha1 D; plus strand). Cytogenetic location: 3p21.1.
Variant type: single nucleotide variant.
Coding change: c.6368C>T on transcript NM_001128840.3 (MANE Select); coding-DNA position 6368, C replaced by T.
Protein change: p.Ser2123Leu; replaces serine 2123 with leucine.
Molecular consequence: missense variant.
Genome position (GRCh38, 1-based): chr3:53,811,288, C>T. VCF-style: chr3-53811288-C-T. GRCh37 (hg19) VCF-style: chr3-53845315-C-T.
Other names: c.6428C>T, p.Ser2143Leu (NM_000720.4); c.6296C>T, p.Ser2099Leu (NM_001128839.3); short protein forms S2099L, S2123L, S2143L.
Identifiers: ClinVar variation 3893421 (VCV003893421.1).